The following is an entry in ClinVar:

ClinVar aggregate classification (germline): Uncertain significance (1 of 4 stars; one submission).

Conditions:
POLD1-related polyposis and colorectal cancer syndrome (CRCS10). Also called: Colorectal cancer 10; COLORECTAL CANCER, SUSCEPTIBILITY TO, ON CHROMOSOME 19q; Colorectal cancer, susceptibility to, 10. Identifiers: Orphanet 220460, MedGen C2675481, MONDO:0012953, OMIM 612591.

Submission:

Labcorp Genetics (formerly Invitae), Labcorp
Classification: Uncertain significance for POLD1-related polyposis and colorectal cancer syndrome. Last evaluated: 2022-01-27. Review status: criteria provided, single submitter. Criteria: Invitae Variant Classification Sherloc (09022015). Collection method: clinical testing. Allele origin: germline.
Comment: In summary, the available evidence is currently insufficient to determine the role of this variant in disease. Therefore, it has been classified as a Variant of Uncertain Significance. Variants that disrupt the consensus splice site are a relatively common cause of aberrant splicing (PMID: 17576681, 9536098). Algorithms developed to predict the effect of sequence changes on RNA splicing suggest that this variant is not likely to affect RNA splicing. ClinVar contains an entry for this variant (Variation ID: 537170). This variant has not been reported in the literature in individuals affected with POLD1-related conditions. This variant is not present in population databases (gnomAD no frequency). This sequence change falls in intron 13 of the POLD1 gene. It does not directly change the encoded amino acid sequence of the POLD1 protein. It affects a nucleotide within the consensus splice site.

Literature cited by the submitters: PubMed 17576681; PubMed 9536098.

NM_002691.4(POLD1):c.1686+3C>T

Gene: POLD1 (DNA polymerase delta 1, catalytic subunit; plus strand). Cytogenetic location: 19q13.33.
Variant type: single nucleotide variant.
Coding change: c.1686+3C>T on transcript NM_002691.4 (MANE Select); 3 bases into the intron after coding-DNA position 1686, C replaced by T.
Molecular consequence: intron variant.
Genome position (GRCh38, 1-based): chr19:50,407,177, C>T. VCF-style: chr19-50407177-C-T. GRCh37 (hg19) VCF-style: chr19-50910434-C-T.
Other names: c.1686+3C>T (NM_001256849.1, NM_001308632.1, LRG_785t1 and 1 more transcripts).
Identifiers: ClinVar variation 537170 (VCV000537170.8), dbSNP rs1555791459, ClinGen allele CA658799299.